The following is an entry in ClinVar:

NM_006502.3(POLH):c.571A>C (p.Thr191Pro)

Gene: POLH (DNA polymerase eta; plus strand). Cytogenetic location: 6p21.1.
Variant type: single nucleotide variant.
Coding change: c.571A>C on transcript NM_006502.3 (MANE Select); coding-DNA position 571, A replaced by C.
Protein change: p.Thr191Pro; replaces threonine 191 with proline.
Molecular consequence: missense variant.
Genome position (GRCh38, 1-based): chr6:43,597,776, A>C. VCF-style: chr6-43597776-A-C. GRCh37 (hg19) VCF-style: chr6-43565513-A-C.
Other names: c.199A>C, p.Thr67Pro (NM_001291969.2); c.571A>C, p.Thr191Pro (NM_001291970.2); short protein forms T191P, T67P.
Identifiers: ClinVar variation 2682158 (VCV002682158.7), dbSNP rs760104150, ClinGen allele CA364280655.

ClinVar aggregate classification (germline): Likely pathogenic. Review status: criteria provided, multiple submitters, no conflicts (2 of 4 stars). 3 submissions from 3 submitters: Likely pathogenic (3). Last evaluated 2025-09-24.

Conditions:
Xeroderma pigmentosum variant type. Also called: PHOTOSENSITIVITY WITH DEFECTIVE DNA SYNTHESIS; XERODERMA PIGMENTOSUM WITH NORMAL DNA REPAIR RATES; POLH-Related Xeroderma Pigmentosum. Identifiers: Orphanet 90342, MedGen C1848410, MONDO:0010214, OMIM 278750.

gnomAD v4.1: 1 of 1,613,846 alleles (0.000062%); no homozygotes.

Submissions (3):

Dasa
Classification: Likely pathogenic. Last evaluated: 2025-09-24. Review status: criteria provided, single submitter. Criteria: DASA Assertion Criteria. Collection method: clinical testing. Allele origin: germline.
Comment: NM_006502.3(POLH):c.571A>C (p.Thr191Pro) is a missense variant that results in the substitution of threonine with proline. This variant has been recurrently observed in individuals with POLH-related disorders (PMID: 32239545; PMID: 38212351). Functional evidence supports an impact on the gene or gene product (PMID: 32239545; PMID: 38212351). Also, this variant is rare in population databases. Based on the currently available evidence, this variant is classified as likely pathogenic.

Center of Genomic medicine, Geneva, University Hospital of Geneva
Classification: Likely pathogenic for Xeroderma pigmentosum variant type. Last evaluated: 2023-06-20. Review status: criteria provided, single submitter. Criteria: ACMG Guidelines, 2015. Collection method: clinical testing. Allele origin: germline. Inheritance: Autosomal recessive inheritance. Affected: yes. Observed: 1 homozygote.
Comment: Previous published functional in vitro studies have shown that this variant abolishes the activity of the eta polymerase. (C. Biertümpfel et al. PMID: 20577208)

Labcorp Genetics (formerly Invitae), Labcorp
Classification: Likely pathogenic. Last evaluated: 2023-03-07. Review status: criteria provided, single submitter. Criteria: Invitae Variant Classification Sherloc (09022015). Collection method: clinical testing. Allele origin: germline.
Comment: In summary, the currently available evidence indicates that the variant is pathogenic, but additional data are needed to prove that conclusively. Therefore, this variant has been classified as Likely Pathogenic. An algorithm developed to predict the effect of missense changes on protein structure and function (PolyPhen-2) suggests that this variant is likely to be disruptive. This missense change has been observed in individuals with xeroderma pigmentosum (PMID: 32239545). This variant is present in population databases (no rsID available, gnomAD 0.0009%). This sequence change replaces threonine, which is neutral and polar, with proline, which is neutral and non-polar, at codon 191 of the POLH protein (p.Thr191Pro).

Literature cited by the submitters: PubMed 38212351 (cited by Dasa and Center of Genomic medicine, Geneva, University Hospital of Geneva); PubMed 32239545 (cited by Dasa and Labcorp Genetics (formerly Invitae), Labcorp); PubMed 20577208 (cited by Center of Genomic medicine, Geneva, University Hospital of Geneva).